The following is an entry in ClinVar:

NM_001358530.2(MOCS1):c.403G>A (p.Val135Met)

Gene: MOCS1 (molybdenum cofactor synthesis 1; minus strand). Cytogenetic location: 6p21.2.
Variant type: single nucleotide variant.
Coding change: c.403G>A on transcript NM_001358530.2 (MANE Select); coding-DNA position 403, G replaced by A.
Protein change: p.Val135Met; replaces valine 135 with methionine.
Molecular consequence: missense variant. On other transcripts: non-coding transcript variant (1).
Genome position (GRCh38, 1-based): chr6:39,925,693, C>T on the plus strand (G>A on the coding strand, the complement: MOCS1 is on the minus strand). VCF-style: chr6-39925693-C-T. GRCh37 (hg19) VCF-style: chr6-39893437-C-T.
Other names: c.403G>A, p.Val135Met (NM_001075098.4, NM_001358529.2, NM_005943.6); c.142G>A, p.Val48Met (NM_001358531.2, NM_001358533.2, NM_001358534.2); short protein forms V48M, V135M.
Identifiers: ClinVar variation 1356657 (VCV001356657.5), dbSNP rs1345203104, ClinGen allele CA364044640.
Genomic context (GRCh38, chr6:39,925,693, plus strand): 5'-TGAGGCAGCGCTGGGAGAAGTGGCGATGACTTTCGTCCAACTCACCCACAATGTCCACCA[C>T]GTCCGGCCGGATAAGCGGCTCTCCACCTGTGAGCCGGATCTTGTCGATGCCTTCCTTCAC-3'
Protein context (NP_001345459.1, residues 125-145): TGGEPLIRPD[Val135Met]VDIVAQLQRL

ClinVar aggregate classification (germline): Uncertain significance (1 of 4 stars; one submission).

Conditions:
Sulfite oxidase deficiency due to molybdenum cofactor deficiency type A. Also called: Molybdenum cofactor deficiency, complementation group A; Molybdenum Cofactor Deficiency A. Identifiers: Orphanet 308386, Orphanet 833, MedGen C1854988, MONDO:0009643, OMIM 252150.

Allele frequency attached by ClinVar (database versions not stated): gnomAD exomes below 0.00001 and 0.00001; gnomAD 0.00001.

Submission:

Labcorp Genetics (formerly Invitae), Labcorp
Classification: Uncertain significance for Sulfite oxidase deficiency due to molybdenum cofactor deficiency type A. Last evaluated: 2022-07-19. Review status: criteria provided, single submitter. Criteria: Invitae Variant Classification Sherloc (09022015). Collection method: clinical testing. Allele origin: germline.
Comment: This sequence change replaces valine, which is neutral and non-polar, with methionine, which is neutral and non-polar, at codon 135 of the MOCS1 protein (p.Val135Met). This variant is present in population databases (no rsID available, gnomAD 0.004%). This variant has not been reported in the literature in individuals affected with MOCS1-related conditions. ClinVar contains an entry for this variant (Variation ID: 1356657). Algorithms developed to predict the effect of missense changes on protein structure and function are either unavailable or do not agree on the potential impact of this missense change (SIFT: "Deleterious"; PolyPhen-2: "Possibly Damaging"; Align-GVGD: "Class C0"). In summary, the available evidence is currently insufficient to determine the role of this variant in disease. Therefore, it has been classified as a Variant of Uncertain Significance.